The following is an entry in ClinVar:

NM_001365951.3(KIF1B):c.1590+4G>C

Gene: KIF1B (kinesin family member 1B; plus strand). Cytogenetic location: 1p36.22.
Variant type: single nucleotide variant.
Coding change: c.1590+4G>C on transcript NM_001365951.3 (MANE Select); 4 bases into the intron after coding-DNA position 1590, G replaced by C.
Molecular consequence: intron variant.
Genome position (GRCh38, 1-based): chr1:10,292,126, G>C. VCF-style: chr1-10292126-G-C. GRCh37 (hg19) VCF-style: chr1-10352184-G-C.
Other names: c.1452+4G>C (NM_183416.4, NM_015074.3, NM_001365953.1); c.1590+4G>C (NM_001365952.1).
Identifiers: ClinVar variation 1348989 (VCV001348989.6), dbSNP rs2102249437, ClinGen allele CA2573130782.

ClinVar aggregate classification (germline): Uncertain significance (1 of 4 stars; one submission).

Conditions:
Charcot-Marie-Tooth disease type 2. Also called: Charcot-Marie-Tooth type 2. Identifiers: Orphanet 64746, MedGen C0270914, MONDO:0018993.

Submission:

Labcorp Genetics (formerly Invitae), Labcorp
Classification: Uncertain significance for Charcot-Marie-Tooth disease type 2. Last evaluated: 2025-01-11. Review status: criteria provided, single submitter. Criteria: Invitae Variant Classification Sherloc (09022015). Collection method: clinical testing. Allele origin: germline.
Comment: This sequence change falls in intron 15 of the KIF1B gene. It does not directly change the encoded amino acid sequence of the KIF1B protein. It affects a nucleotide within the consensus splice site. This variant is not present in population databases (gnomAD no frequency). This variant has not been reported in the literature in individuals affected with KIF1B-related conditions. ClinVar contains an entry for this variant (Variation ID: 1348989). Variants that disrupt the consensus splice site are a relatively common cause of aberrant splicing (PMID: 17576681, 9536098). Algorithms developed to predict the effect of sequence changes on RNA splicing suggest that this variant is not likely to affect RNA splicing. In summary, the available evidence is currently insufficient to determine the role of this variant in disease. Therefore, it has been classified as a Variant of Uncertain Significance.

Literature cited by the submitters: PubMed 17576681; PubMed 9536098.